The following is an entry in ClinVar:

ClinVar aggregate classification (germline): Uncertain significance (1 of 4 stars; one submission).

Conditions:
Cardiovascular phenotype. Identifiers: MedGen CN230736.

Submission:

Ambry Genetics
Classification: Uncertain significance for Cardiovascular phenotype. Last evaluated: 2022-09-05. Review status: criteria provided, single submitter. Criteria: Ambry Variant Classification Scheme 2023. Collection method: clinical testing. Allele origin: germline.
Comment: The p.F140S variant (also known as c.419T>C), located in coding exon 4 of the MYL3 gene, results from a T to C substitution at nucleotide position 419. The phenylalanine at codon 140 is replaced by serine, an amino acid with highly dissimilar properties. This amino acid position is conserved. In addition, this alteration is predicted to be deleterious by in silico analysis. Since supporting evidence is limited at this time, the clinical significance of this alteration remains unclear.

NM_000258.3(MYL3):c.419T>C (p.Phe140Ser)

Gene: MYL3 (myosin light chain 3; minus strand). Cytogenetic location: 3p21.31.
Variant type: single nucleotide variant.
Coding change: c.419T>C on transcript NM_000258.3 (MANE Select); coding-DNA position 419, T replaced by C.
Protein change: p.Phe140Ser; replaces phenylalanine 140 with serine.
Molecular consequence: missense variant.
Genome position (GRCh38, 1-based): chr3:46,859,537, A>G on the plus strand (T>C on the coding strand, the complement: MYL3 is on the minus strand). VCF-style: chr3-46859537-A-G. GRCh37 (hg19) VCF-style: chr3-46901027-A-G.
Other names: c.419T>C, p.Phe140Ser (NM_001406937.1, NM_001406938.1, NM_001406939.1); c.245T>C, p.Phe82Ser (NM_001406940.1, NM_001406941.1); short protein forms F140S, F82S.
Identifiers: ClinVar variation 1738631 (VCV001738631.2), dbSNP rs1559520147, ClinGen allele CA352496097.